The following is an entry in ClinVar:

NM_000271.5(NPC1):c.3734_3735del (p.Pro1245fs)

Gene: NPC1 (NPC intracellular cholesterol transporter 1; minus strand). Cytogenetic location: 18q11.2.
Variant type: Deletion.
Coding change: c.3734_3735del on transcript NM_000271.5 (MANE Select); coding-DNA positions 3734 to 3735, 2 bases deleted (CT; older notation c.3734_3735delCT).
Protein change: p.Pro1245fs; shifts the reading frame from proline 1245.
Molecular consequence: frameshift variant.
Genome position (GRCh38, 1-based): chr18:23,533,374-23,533,375, AG deleted on the plus strand (CT on the coding strand, the reverse complement: NPC1 is on the minus strand). VCF-style (leftmost placement, unchanged base first): chr18-23533373-CAG-C. GRCh37 (hg19) VCF-style: chr18-21113337-CAG-C.
Other names: p.Pro1245Argfs*12; short protein forms P1245fs.
Identifiers: ClinVar variation 419641 (VCV000419641.22), dbSNP rs1064794009, ClinGen allele CA16620667.
Genomic context (GRCh38, chr18:23,533,373, plus strand): 5'-TGTCCTTCTATTGTGCCACCCTTTTAAGATGAGAACTCTTACCTATGTAACTGAGTAAGA[CAG>C]GGAGAAATATTAATCCGTGAGTGGCTCCCAGTAAGACCATGGCCAAATACATCCTGAAGT-3'

ClinVar aggregate classification (germline): Pathogenic/Likely pathogenic. Review status: criteria provided, multiple submitters, no conflicts (2 of 4 stars). 7 submissions from 7 submitters: Pathogenic (4); Likely pathogenic (2). 1 of the submissions does not count toward it. Last evaluated 2025-06-09.

Conditions:
Niemann-Pick disease, type C1. Also called: NEUROVISCERAL STORAGE DISEASE WITH VERTICAL SUPRANUCLEAR OPHTHALMOPLEGIA; NIEMANN-PICK DISEASE WITH CHOLESTEROL ESTERIFICATION BLOCK; NIEMANN-PICK DISEASE WITHOUT SPHINGOMYELINASE DEFICIENCY; NIEMANN-PICK DISEASE, CHRONIC NEURONOPATHIC FORM; NIEMANN-PICK DISEASE, VARIANT TYPE C1. Identifiers: Orphanet 646, MedGen C3179455, MONDO:0009757, OMIM 257220.

Allele frequency attached by ClinVar (database versions not stated): gnomAD exomes below 0.00001; TOPMed below 0.00001.

Submissions (7):

Natera, Inc.
Classification: Pathogenic for Niemann-Pick disease type C1. Last evaluated: 2025-06-09. Review status: criteria provided, single submitter. Criteria: Natera Variant Classification Schema (03/2026). Collection method: clinical testing. Allele origin: germline.
Comment: The c.3734_3735delCT variant in NPC1 is a frameshift variant predicted to shift the reading frame beginning at codon 1245 and leads to a stop codon 12 codons downstream. This variant is expected to result in nonsense mediated decay, truncation, or a dysfunctional protein product. This variant is rare in the general population with a frequency below the threshold expected for the associated phenotype(s). This variant has been observed in one or more individuals affected with the associated recessive disease, as either homozygous or compound heterozygous with a second variant (PMID: 24915861, 38131230, 12401890, 23973268, 23597521). Given the available evidence, this variant is classified as Pathogenic.

Foundation for Research in Genetics and Endocrinology, FRIGE's Institute of Human Genetics
Classification: Pathogenic for Niemann-Pick disease, type C1. Last evaluated: 2025-01-16. Review status: criteria provided, single submitter. Criteria: ACMG Guidelines, 2015. Collection method: clinical testing. Allele origin: germline. Inheritance: Autosomal recessive inheritance. Affected: yes. Observed: 1 compound heterozygote.
Comment: A heterozygous two base pair deletion in exon 24 of the SMPD1 gene that results in a frameshift and premature truncation of the protein 12 amino acids downstream to codon 1245 (p.Pro1245ArgfsTer12) was detected. This variant has not been reported in the 1000 genomes and gnomAD databases. This variant has previously been reported in patients affected with NPC type 1 (PMID: 25748406). The in silico prediction of the variant is damaging MutationTaster2. In summary, the variant meets our criteria to be classified as pathogenic.

Labcorp Genetics (formerly Invitae), Labcorp
Classification: Pathogenic for Niemann-Pick disease, type C1. Last evaluated: 2024-01-14. Review status: criteria provided, single submitter. Criteria: Invitae Variant Classification Sherloc (09022015). Collection method: clinical testing. Allele origin: germline.
Comment: This sequence change creates a premature translational stop signal (p.Pro1245Argfs*12) in the NPC1 gene. While this is not anticipated to result in nonsense mediated decay, it is expected to disrupt the last 34 amino acid(s) of the NPC1 protein. This variant is not present in population databases (gnomAD no frequency). This premature translational stop signal has been observed in individual(s) with Niemann-Pick Type C (PMID: 12401890, 23597521, 24915861). ClinVar contains an entry for this variant (Variation ID: 419641). For these reasons, this variant has been classified as Pathogenic.

Eurofins Ntd Llc (ga)
Classification: Likely pathogenic. Last evaluated: 2017-03-20. Review status: criteria provided, single submitter. Criteria: EGL Classification Definitions 2015. Collection method: clinical testing. Allele origin: germline. Observed: 1 variant allele, 1 heterozygote.

GeneDx
Classification: Pathogenic. Last evaluated: 2015-08-13. Review status: criteria provided, single submitter. Criteria: GeneDx Variant Classification (06012015). Collection method: clinical testing. Allele origin: germline. Affected: yes.
Comment: The c.3734_3735delCT deletion in the NPC1 gene has been reported previously in association with Niemann-Pick disease, type C (Tarugi et al., 2002; Zhang et al., 2014; Yang et al., 2015). The deletion causes a frameshift starting with codon Proline 1245, changes this amino acid to an Arginine residue and creates a premature Stop codon at position 12 of the new reading frame, denoted p.Pro1245ArgfsX12. This variant is predicted to cause loss of normal protein function through protein truncation. Therefore, we interpret c.3734_3735delCT in NPC1 as a pathogenic variant.

Juno Genomics, Hangzhou Juno Genomics, Inc
Classification: Likely pathogenic for Niemann-Pick disease, type C1. Review status: criteria provided, single submitter. Criteria: ACMG Guidelines, 2015. Collection method: clinical testing. Allele origin: germline.
Comment: Absent from controls (or at extremely low frequency if recessive) in Genome Aggregation Database.;Null variant in a gene where loss of function (LOF) is a known mechanism of disease.;For recessive disorders, detected in trans with a pathogenic variant.;Patient's phenotype or family history is highly specific for a disease with a single genetic etiology.

Counsyl
Classification: Likely pathogenic for Niemann-Pick disease, type C1. Last evaluated: 2015-04-27. Review status: no assertion criteria provided. Collection method: clinical testing. Allele origin: unknown. Not counted in ClinVar's aggregate classification.

Literature cited by the submitters: PubMed 24915861 (cited by 3 submitters); PubMed 38131230 (cited by Natera, Inc.); PubMed 12401890 (cited by 3 submitters); PubMed 23973268 (cited by Natera, Inc.); PubMed 23597521 (cited by 3 submitters); PubMed 15347664 (cited by Counsyl); PubMed 9927649 (cited by Counsyl).